The following is an entry in ClinVar:

ClinVar aggregate classification (germline): Uncertain significance (1 of 4 stars; one submission).

Submission:

Labcorp Genetics (formerly Invitae), Labcorp
Classification: Uncertain significance. Last evaluated: 2023-10-13. Review status: criteria provided, single submitter. Criteria: Invitae Variant Classification Sherloc (09022015). Collection method: clinical testing. Allele origin: germline.
Comment: This sequence change replaces glutamic acid, which is acidic and polar, with lysine, which is basic and polar, at codon 112 of the ASXL2 protein (p.Glu112Lys). This variant is not present in population databases (gnomAD no frequency). This variant has not been reported in the literature in individuals affected with ASXL2-related conditions. Advanced modeling of protein sequence and biophysical properties (such as structural, functional, and spatial information, amino acid conservation, physicochemical variation, residue mobility, and thermodynamic stability) performed at Invitae indicates that this missense variant is not expected to disrupt ASXL2 protein function. In summary, the available evidence is currently insufficient to determine the role of this variant in disease. Therefore, it has been classified as a Variant of Uncertain Significance.

NM_018263.6(ASXL2):c.334G>A (p.Glu112Lys)

Gene: ASXL2 (ASXL transcriptional regulator 2; minus strand). Cytogenetic location: 2p23.3.
Variant type: single nucleotide variant.
Coding change: c.334G>A on transcript NM_018263.6 (MANE Select); coding-DNA position 334, G replaced by A.
Protein change: p.Glu112Lys; replaces glutamic acid 112 with lysine.
Molecular consequence: missense variant.
Genome position (GRCh38, 1-based): chr2:25,799,454, C>T on the plus strand (G>A on the coding strand, the complement: ASXL2 is on the minus strand). VCF-style: chr2-25799454-C-T. GRCh37 (hg19) VCF-style: chr2-26022323-C-T.
Other names: c.160G>A, p.Glu54Lys (NM_001369346.1); short protein forms E112K, E54K.
Identifiers: ClinVar variation 2832217 (VCV002832217.3), dbSNP rs2465389338, ClinGen allele CA346084391.
Genomic context (GRCh38, chr2:25,799,454, plus strand): 5'-TCCACCTGCTCTTTTTTCCCTCCTTGTTGCTGCCACCATCACTGCTGCTGCTGCTGTTCT[C>T]AGAACTCTGGGAATCTGACTGACCATCACTGCTTTCTTCTGAACCTTCTGACAGCTCTTT-3'
Protein context (NP_060733.4, residues 102-122): SDGQSDSQSS[Glu112Lys]NSSSSSDGGS